The following is an entry in ClinVar:

NM_198253.3(TERT):c.2982C>T (p.Leu994=)

Gene: TERT (telomerase reverse transcriptase; minus strand). Cytogenetic location: 5p15.33.
Variant type: single nucleotide variant.
Coding change: c.2982C>T on transcript NM_198253.3 (MANE Select); coding-DNA position 2982, C replaced by T.
Protein change: p.Leu994=; no amino-acid change (leucine 994 retained).
Molecular consequence: synonymous variant. On other transcripts: non-coding transcript variant (2).
Genome position (GRCh38, 1-based): chr5:1,258,648, G>A on the plus strand (C>T on the coding strand, the complement: TERT is on the minus strand). VCF-style: chr5-1258648-G-A. GRCh37 (hg19) VCF-style: chr5-1258763-G-A.
Other names: c.2793C>T, p.Leu931= (NM_001193376.3).
Identifiers: ClinVar variation 704185 (VCV000704185.20), dbSNP rs762178169, ClinGen allele CA3184325.

ClinVar aggregate classification (germline): Likely benign. Review status: criteria provided, multiple submitters, no conflicts (2 of 4 stars). 3 submissions from 3 submitters: Likely benign (2). 1 of the submissions does not count toward it. Last evaluated 2025-10-14.

Conditions:
Dyskeratosis congenita. Identifiers: Orphanet 1775, MedGen C0265965, MONDO:0015780.
Dyskeratosis congenita, autosomal dominant 2. Identifiers: MedGen C3151443, MONDO:0013521, OMIM 613989.
Idiopathic Pulmonary Fibrosis. Also called: Idiopathic fibrosing alveolitis, chronic form; idiopathic fibrosing alveolitis. Identifiers: Orphanet 2032, MedGen C1800706, MeSH D054990, MONDO:0800504.
TERT-related disorder. Also called: TERT-related condition; TERT-related disorders.

Allele frequency attached by ClinVar (database versions not stated): gnomAD below 0.00001 and 0.00001; gnomAD exomes 0.00003; ExAC 0.00012.
gnomAD v4.1: 42 of 1,569,420 alleles (0.0027%); highest among the groups gnomAD compares: South Asian, 0.046%; no homozygotes.

Submissions (3):

Labcorp Genetics (formerly Invitae), Labcorp
Classification: Likely benign for Dyskeratosis congenita, autosomal dominant 2; Idiopathic Pulmonary Fibrosis. Last evaluated: 2025-10-14. Review status: criteria provided, single submitter. Criteria: Invitae Variant Classification Sherloc (09022015). Collection method: clinical testing. Allele origin: germline.

Ambry Genetics
Classification: Likely benign for Dyskeratosis congenita. Last evaluated: 2022-07-19. Review status: criteria provided, single submitter. Criteria: Ambry Variant Classification Scheme 2023. Collection method: clinical testing. Allele origin: germline.

PreventionGenetics, part of Exact Sciences
Classification: Likely benign for TERT-related condition. Last evaluated: 2020-12-08. Review status: no assertion criteria provided. Collection method: clinical testing. Allele origin: germline. Not counted in ClinVar's aggregate classification.
Comment: This variant is classified as likely benign based on ACMG/AMP sequence variant interpretation guidelines (Richards et al. 2015 PMID: 25741868, with internal and published modifications).